The following is an entry in ClinVar:

ClinVar aggregate classification (germline): Uncertain significance. Review status: criteria provided, multiple submitters, no conflicts (2 of 4 stars). 2 submissions from 2 submitters: Uncertain significance (2). Last evaluated 2026-06-26.

Conditions:
Arrhythmogenic right ventricular dysplasia 10. Also called: Arrhythmogenic Right Ventricular Dysplasia/Cardiomyopathy10; ARRHYTHMOGENIC RIGHT VENTRICULAR DYSPLASIA, FAMILIAL, 10; Arrhythmogenic right ventricular dysplasia/cardiomyopathy, type 10. Identifiers: MedGen C1857777, MONDO:0012434, OMIM 610193.

Allele frequency attached by ClinVar (database versions not stated): gnomAD exomes below 0.00001.
gnomAD v4.1: 1 of 1,614,196 alleles (0.000062%); highest among the groups gnomAD compares: Non-Finnish European, 0.000085%; no homozygotes.

Submissions (2):

Women's Health and Genetics/Laboratory Corporation of America, LabCorp
Classification: Uncertain significance. Last evaluated: 2026-06-26. Review status: criteria provided, single submitter. Criteria: LabCorp Variant Classification Summary - May 2015. Collection method: clinical testing. Allele origin: germline.

Labcorp Genetics (formerly Invitae), Labcorp
Classification: Uncertain significance for Arrhythmogenic right ventricular dysplasia 10. Last evaluated: 2020-02-24. Review status: criteria provided, single submitter. Criteria: Invitae Variant Classification Sherloc (09022015). Collection method: clinical testing. Allele origin: germline.
Comment: This sequence change replaces serine with asparagine at codon 526 of the DSG2 protein (p.Ser526Asn). The serine residue is moderately conserved and there is a small physicochemical difference between serine and asparagine. This variant is not present in population databases (ExAC no frequency). This variant has not been reported in the literature in individuals with DSG2-related conditions. Algorithms developed to predict the effect of missense changes on protein structure and function are either unavailable or do not agree on the potential impact of this missense change (SIFT: "Tolerated"; PolyPhen-2: "Possibly Damaging"; Align-GVGD: "Class C0"). In summary, the available evidence is currently insufficient to determine the role of this variant in disease. Therefore, it has been classified as a Variant of Uncertain Significance.

NM_001943.5(DSG2):c.1577G>A (p.Ser526Asn)

Gene: DSG2 (desmoglein 2; plus strand). Cytogenetic location: 18q12.1.
Variant type: single nucleotide variant.
Coding change: c.1577G>A on transcript NM_001943.5 (MANE Select); coding-DNA position 1577, G replaced by A.
Protein change: p.Ser526Asn; replaces serine 526 with asparagine.
Molecular consequence: missense variant.
Genome position (GRCh38, 1-based): chr18:31,536,355, G>A. VCF-style: chr18-31536355-G-A. GRCh37 (hg19) VCF-style: chr18-29116318-G-A.
Other names: short protein forms S526N.
Identifiers: ClinVar variation 1017153 (VCV001017153.10), dbSNP rs771083574, ClinGen allele CA402141877.